The following is an entry in ClinVar:

NM_005535.3(IL12RB1):c.815A>G (p.Gln272Arg)

Gene: IL12RB1 (interleukin 12 receptor subunit beta 1; minus strand). Cytogenetic location: 19p13.11.
Variant type: single nucleotide variant.
Coding change: c.815A>G on transcript NM_005535.3 (MANE Select); coding-DNA position 815, A replaced by G.
Protein change: p.Gln272Arg; replaces glutamine 272 with arginine.
Molecular consequence: missense variant.
Genome position (GRCh38, 1-based): chr19:18,072,318, T>C on the plus strand (A>G on the coding strand, the complement: IL12RB1 is on the minus strand). VCF-style: chr19-18072318-T-C. GRCh37 (hg19) VCF-style: chr19-18183128-T-C.
Other names: c.815A>G, p.Gln272Arg (NM_001290023.2, NM_153701.3); c.935A>G, p.Gln312Arg (NM_001290024.2); short protein forms Q272R, Q312R.
Identifiers: ClinVar variation 474978 (VCV000474978.8), dbSNP rs1440358498, ClinGen allele CA404780496.

ClinVar aggregate classification (germline): Uncertain significance (1 of 4 stars; one submission).

Conditions:
Mendelian susceptibility to mycobacterial diseases due to complete IL12RB1 deficiency. Also called: IL12RB1 DEFICIENCY; Immunodeficiency 30. Identifiers: Orphanet 319552, MedGen C4013949, MONDO:0013955, OMIM 614891.

Allele frequency attached by ClinVar (database versions not stated): gnomAD 0.00001; TOPMed 0.00001.
gnomAD v4.1: 2 of 1,613,886 alleles (0.00012%); highest among the groups gnomAD compares: Non-Finnish European, 0.00017%; no homozygotes.

Submission:

Labcorp Genetics (formerly Invitae), Labcorp
Classification: Uncertain significance for Mendelian susceptibility to mycobacterial diseases due to complete IL12RB1 deficiency. Last evaluated: 2022-08-23. Review status: criteria provided, single submitter. Criteria: Invitae Variant Classification Sherloc (09022015). Collection method: clinical testing. Allele origin: germline.
Comment: In summary, the available evidence is currently insufficient to determine the role of this variant in disease. Therefore, it has been classified as a Variant of Uncertain Significance. Algorithms developed to predict the effect of missense changes on protein structure and function output the following: SIFT: "Tolerated"; PolyPhen-2: "Benign"; Align-GVGD: "Class C0". The arginine amino acid residue is found in multiple mammalian species, which suggests that this missense change does not adversely affect protein function. ClinVar contains an entry for this variant (Variation ID: 474978). This variant has not been reported in the literature in individuals affected with IL12RB1-related conditions. This variant is present in population databases (no rsID available, gnomAD 0.007%). This sequence change replaces glutamine, which is neutral and polar, with arginine, which is basic and polar, at codon 272 of the IL12RB1 protein (p.Gln272Arg).